The following is an entry in ClinVar:

ClinVar aggregate classification (germline): Uncertain significance. Review status: criteria provided, multiple submitters, no conflicts (2 of 4 stars). 2 submissions from 2 submitters: Uncertain significance (2). Last evaluated 2023-11-09.

Conditions:
Inborn genetic diseases. Identifiers: MedGen C0950123, MeSH D030342.
Hypomyelination with brain stem and spinal cord involvement and leg spasticity. Also called: Hypomyelination with brainstem and spinal cord involvement and leg spasticity; ASPARTYL-tRNA SYNTHETASE DEFICIENCY. Identifiers: Orphanet 363412, MedGen C4755254, MONDO:0014115, OMIM 615281.

Allele frequency attached by ClinVar (database versions not stated): gnomAD exomes below 0.00001 and 0.00001; ExAC 0.00002; gnomAD 0.00003.
gnomAD v4.1: 11 of 1,563,788 alleles (0.0007%); highest among the groups gnomAD compares: African/African-American, 0.0014%; no homozygotes.

Submissions (2):

Ambry Genetics
Classification: Uncertain significance for Inborn genetic diseases. Last evaluated: 2023-11-09. Review status: criteria provided, single submitter. Criteria: Ambry Variant Classification Scheme 2023. Collection method: clinical testing. Allele origin: germline.

Baylor Genetics
Classification: Uncertain significance for Hypomyelination with brain stem and spinal cord involvement and leg spasticity. Last evaluated: 2018-08-08. Review status: criteria provided, single submitter. Criteria: ACMG Guidelines, 2015. Collection method: clinical testing. Allele origin: maternal. Affected: yes.
Comment: This variant was determined to be of uncertain significance according to ACMG Guidelines, 2015 [PMID:25741868].

NM_001349.4(DARS1):c.1493G>A (p.Arg498Gln)

Gene: DARS1 (aspartyl-tRNA synthetase 1; minus strand). Cytogenetic location: 2q21.3.
Variant type: single nucleotide variant.
Coding change: c.1493G>A on transcript NM_001349.4 (MANE Select); coding-DNA position 1493, G replaced by A.
Protein change: p.Arg498Gln; replaces arginine 498 with glutamine.
Molecular consequence: missense variant.
Genome position (GRCh38, 1-based): chr2:135,907,329, C>T on the plus strand (G>A on the coding strand, the complement: DARS1 is on the minus strand). VCF-style: chr2-135907329-C-T. GRCh37 (hg19) VCF-style: chr2-136664899-C-T.
Other names: c.1193G>A, p.Arg398Gln (NM_001293312.1); short protein forms R498Q, R398Q.
Identifiers: ClinVar variation 1031971 (VCV001031971.2), dbSNP rs773488177, ClinGen allele CA1889435.